The following is an entry in ClinVar:

ClinVar aggregate classification (germline): Benign/Likely benign. Review status: criteria provided, multiple submitters, no conflicts (2 of 4 stars). 3 submissions from 3 submitters: Benign (1); Likely benign (2). Last evaluated 2025-08-13.

Conditions:
Aldosterone-producing adenoma with seizures and neurological abnormalities. Also called: Primary aldosteronism, seizures, and neurologic abnormalities. Identifiers: Orphanet 369929, MedGen C3809609, MONDO:0014200, OMIM 615474.

Allele frequency attached by ClinVar (database versions not stated): gnomAD exomes 0.00001 and below 0.00001; ExAC 0.00001.
gnomAD v4.1: 16 of 1,614,220 alleles (0.00099%); highest among the groups gnomAD compares: Non-Finnish European, 0.0014%; no homozygotes.

Submissions (3):

Labcorp Genetics (formerly Invitae), Labcorp
Classification: Likely benign. Last evaluated: 2025-08-13. Review status: criteria provided, single submitter. Criteria: Invitae Variant Classification Sherloc (09022015). Collection method: clinical testing. Allele origin: germline.

KCCC/NGS Laboratory, Kuwait Cancer Control Center
Classification: Benign for Aldosterone-producing adenoma with seizures and neurological abnormalities. Last evaluated: 2025-02-01. Review status: criteria provided, single submitter. Criteria: ACMG Guidelines, 2015. Collection method: clinical testing. Allele origin: germline. Affected: no.

Laboratory for Molecular Medicine, Mass General Brigham Personalized Medicine
Classification: Likely benign. Last evaluated: 2016-01-15. Review status: criteria provided, single submitter. Criteria: LMM Criteria. Collection method: clinical testing. Allele origin: germline. Observed: 1 variant allele.
Comment: p.Glu779Glu in exon 17 of CACNA1D: This variant is not expected to have clinical significance because it does not alter an amino acid residue and is not located within the splice consensus sequence. It has been identified in 1/66612 Europea n chromosomes by the Exome Aggregation Consortium (ExAC; dbSNP rs770074186).

NM_001128840.3(CACNA1D):c.2277A>G (p.Glu759=)

Gene: CACNA1D (calcium voltage-gated channel subunit alpha1 D; plus strand). Cytogenetic location: 3p21.1.
Variant type: single nucleotide variant.
Coding change: c.2277A>G on transcript NM_001128840.3 (MANE Select); coding-DNA position 2277, A replaced by G.
Protein change: p.Glu759=; no amino-acid change (glutamic acid 759 retained).
Molecular consequence: synonymous variant.
Genome position (GRCh38, 1-based): chr3:53,730,497, A>G. VCF-style: chr3-53730497-A-G. GRCh37 (hg19) VCF-style: chr3-53764524-A-G.
Other names: c.2337A>G, p.Glu779= (NM_000720.4); c.2277A>G, p.Glu759= (NM_001128839.3); c.2337A>G (NM_000720.3).
Identifiers: ClinVar variation 227196 (VCV000227196.8), dbSNP rs770074186, ClinGen allele CA2454187.